The following is an entry in ClinVar:

NM_152296.5(ATP1A3):c.2548A>T (p.Ile850Phe)

Gene: ATP1A3 (ATPase Na+/K+ transporting subunit alpha 3; minus strand). Cytogenetic location: 19q13.2.
Variant type: single nucleotide variant.
Coding change: c.2548A>T on transcript NM_152296.5 (MANE Select); coding-DNA position 2548, A replaced by T.
Protein change: p.Ile850Phe; replaces isoleucine 850 with phenylalanine.
Molecular consequence: missense variant.
Genome position (GRCh38, 1-based): chr19:41,969,575, T>A on the plus strand (A>T on the coding strand, the complement: ATP1A3 is on the minus strand). VCF-style: chr19-41969575-T-A. GRCh37 (hg19) VCF-style: chr19-42473727-T-A.
Other names: c.2581A>T, p.Ile861Phe (NM_001256213.2); c.2587A>T, p.Ile863Phe (NM_001256214.2); short protein forms I850F, I861F, I863F.
Identifiers: ClinVar variation 1314189 (VCV001314189.2), dbSNP rs1266471637, ClinGen allele CA406038397.

ClinVar aggregate classification (germline): Uncertain significance (1 of 4 stars; one submission).

Allele frequency attached by ClinVar (database versions not stated): gnomAD 0.00001; TOPMed 0.00001.
gnomAD v4.1: 2 of 1,613,444 alleles (0.00012%); highest among the groups gnomAD compares: Non-Finnish European, 0.00017%; no homozygotes.

Submission:

GeneDx
Classification: Uncertain significance. Last evaluated: 2021-03-11. Review status: criteria provided, single submitter. Criteria: GeneDx Variant Classification Process June 2021. Collection method: clinical testing. Allele origin: germline. Affected: yes.
Comment: Has not been previously published as pathogenic or benign to our knowledge; In silico analysis supports that this missense variant does not alter protein structure/function; Not observed at a significant frequency in large population cohorts (Lek et al., 2016)